The following is an entry in ClinVar:

ClinVar aggregate classification (germline): Likely benign (0 of 4 stars; one submission).

Conditions:
GALNT9-related disorder. Also called: GALNT9-related condition.

Submission:

PreventionGenetics, part of Exact Sciences
Classification: Likely benign for GALNT9-related condition. Last evaluated: 2022-04-20. Review status: no assertion criteria provided. Collection method: clinical testing. Allele origin: germline.
Comment: This variant is classified as likely benign based on ACMG/AMP sequence variant interpretation guidelines (Richards et al. 2015 PMID: 25741868, with internal and published modifications).

NM_001122636.2(GALNT9):c.420-59_437del

Gene: GALNT9 (polypeptide N-acetylgalactosaminyltransferase 9; minus strand). Cytogenetic location: 12q24.33.
Variant type: Deletion.
Coding change: c.420-59_437del on transcript NM_001122636.2 (MANE Select); 59 bases into the intron before coding-DNA position 420 through coding-DNA position 437, 77 bases deleted.
Molecular consequence: splice acceptor variant.
Genome position (GRCh38, 1-based): chr12:132,262,608-132,262,684, 77 bases deleted. GRCh37 (hg19): chr12:132,839,220-132,839,296.
Identifiers: ClinVar variation 3048038 (VCV003048038.2), dbSNP rs1566004343, ClinGen allele CA6890499.